The following is an entry in ClinVar:

ClinVar aggregate classification (germline): Uncertain significance. Review status: criteria provided, multiple submitters, no conflicts (2 of 4 stars). 2 submissions from 2 submitters: Uncertain significance (2). Last evaluated 2026-02-01.

Conditions:
Dyskeratosis congenita. Identifiers: Orphanet 1775, MedGen C0265965, MONDO:0015780.

Allele frequency attached by ClinVar (database versions not stated): gnomAD exomes 0.00001 and 0.00004; TOPMed 0.00001; ExAC 0.00002.
gnomAD v4.1: 10 of 1,211,838 alleles (0.00083%); highest among the groups gnomAD compares: Admixed American, 0.011%; 1 homozygote.

Submissions (2):

Labcorp Genetics (formerly Invitae), Labcorp
Classification: Uncertain significance for Dyskeratosis congenita. Last evaluated: 2026-02-01. Review status: criteria provided, single submitter. Criteria: Invitae Variant Classification Sherloc (09022015). Collection method: clinical testing. Allele origin: germline.
Comment: This sequence change replaces glutamic acid, which is acidic and polar, with valine, which is neutral and non-polar, at codon 450 of the DKC1 protein (p.Glu450Val). This variant is present in population databases (rs782631659, gnomAD 0.02%). This variant has not been reported in the literature in individuals affected with DKC1-related conditions. ClinVar contains an entry for this variant (Variation ID: 960630). Invitae Evidence Modeling of protein sequence and biophysical properties (such as structural, functional, and spatial information, amino acid conservation, physicochemical variation, residue mobility, and thermodynamic stability) indicates that this missense variant is not expected to disrupt DKC1 protein function with a negative predictive value of 80%. In summary, the available evidence is currently insufficient to determine the role of this variant in disease. Therefore, it has been classified as a Variant of Uncertain Significance.

Genetic Services Laboratory, University of Chicago
Classification: Uncertain significance. Last evaluated: 2017-10-05. Review status: criteria provided, single submitter. Criteria: ACMG Guidelines, 2015. Collection method: clinical testing. Allele origin: germline. Affected: no.

NM_001363.5(DKC1):c.1349A>T (p.Glu450Val)

Gene: DKC1 (dyskerin pseudouridine synthase 1; plus strand). Cytogenetic location: Xq28.
Variant type: single nucleotide variant.
Coding change: c.1349A>T on transcript NM_001363.5 (MANE Select); coding-DNA position 1349, A replaced by T.
Protein change: p.Glu450Val; replaces glutamic acid 450 with valine.
Molecular consequence: missense variant. On other transcripts: 3 prime UTR variant (1), non-coding transcript variant (3).
Genome position (GRCh38, 1-based): chrX:154,776,197, A>T. VCF-style: chrX-154776197-A-T. GRCh37 (hg19) VCF-style: chrX-154004472-A-T.
Other names: c.1334A>T, p.Glu445Val (NM_001142463.3); c.*575A>T (NM_001288747.2); short protein forms E445V, E450V.
Identifiers: ClinVar variation 960630 (VCV000960630.13), dbSNP rs782631659, ClinGen allele CA10567265.
Genomic context (GRCh38, chrX:154,776,197, plus strand): 5'-TGTCCATTATTGCCCAAGATCTAACACTTAACCAATTGCTTTCATCTCAGCGGAAGCGAG[A>T]GAGTGAGAGTGAAAGTGACGAGACTCCTCCAGCAGCTCCTCAGTTGATCAAGAAGGAAAA-3'
Protein context (NP_001354.1, residues 440-460): EAAKTAKRKR[Glu450Val]SESESDETPP